The following is an entry in ClinVar:

ClinVar aggregate classification (germline): Uncertain significance (1 of 4 stars; one submission).

Submission:

Labcorp Genetics (formerly Invitae), Labcorp
Classification: Uncertain significance. Last evaluated: 2019-07-17. Review status: criteria provided, single submitter. Criteria: Invitae Variant Classification Sherloc (09022015). Collection method: clinical testing. Allele origin: germline.
Comment: Algorithms developed to predict the effect of missense changes on protein structure and function (SIFT, PolyPhen-2, Align-GVGD) all suggest that this variant is likely to be tolerated, but these predictions have not been confirmed by published functional studies and their clinical significance is uncertain. In summary, the available evidence is currently insufficient to determine the role of this variant in disease. Therefore, it has been classified as a Variant of Uncertain Significance. This variant has not been reported in the literature in individuals with RETREG1-related conditions. This variant is not present in population databases (ExAC no frequency). This sequence change replaces leucine with proline at codon 396 of the RETREG1 protein (p.Leu396Pro). The leucine residue is highly conserved and there is a moderate physicochemical difference between leucine and proline.

NM_001034850.3(RETREG1):c.1187T>C (p.Leu396Pro)

Gene: RETREG1 (reticulophagy regulator 1; minus strand). Cytogenetic location: 5p15.1.
Variant type: single nucleotide variant.
Coding change: c.1187T>C on transcript NM_001034850.3 (MANE Select); coding-DNA position 1187, T replaced by C.
Protein change: p.Leu396Pro; replaces leucine 396 with proline.
Molecular consequence: missense variant.
Genome position (GRCh38, 1-based): chr5:16,475,048, A>G on the plus strand (T>C on the coding strand, the complement: RETREG1 is on the minus strand). VCF-style: chr5-16475048-A-G. GRCh37 (hg19) VCF-style: chr5-16475157-A-G.
Other names: c.764T>C, p.Leu255Pro (NM_019000.5); short protein forms L255P, L396P.
Identifiers: ClinVar variation 962123 (VCV000962123.9), dbSNP rs1738470249, ClinGen allele CA359256237.